The following is an entry in ClinVar:

NM_052947.4(ALPK2):c.2420T>G (p.Phe807Cys)

Gene: ALPK2 (alpha kinase 2; minus strand). Cytogenetic location: 18q21.31.
Variant type: single nucleotide variant.
Coding change: c.2420T>G on transcript NM_052947.4 (MANE Select); coding-DNA position 2420, T replaced by G.
Protein change: p.Phe807Cys; replaces phenylalanine 807 with cysteine.
Molecular consequence: missense variant.
Genome position (GRCh38, 1-based): chr18:58,537,767, A>C on the plus strand (T>G on the coding strand, the complement: ALPK2 is on the minus strand). VCF-style: chr18-58537767-A-C. GRCh37 (hg19) VCF-style: chr18-56204999-A-C.
Other names: short protein forms F807C.
Identifiers: ClinVar variation 2564093 (VCV002564093.2), dbSNP rs2518877695, ClinGen allele CA402570701.

ClinVar aggregate classification (germline): Uncertain significance (1 of 4 stars; one submission).

Submission:

Ambry Genetics
Classification: Uncertain significance. Last evaluated: 2023-05-28. Review status: criteria provided, single submitter. Criteria: Ambry Variant Classification Scheme 2023. Collection method: clinical testing. Allele origin: germline.
Comment: The p.F807C variant (also known as c.2420T>G), located in coding exon 4 of the ALPK2 gene, results from a T to G substitution at nucleotide position 2420. The phenylalanine at codon 807 is replaced by cysteine, an amino acid with highly dissimilar properties. This amino acid position is conserved. In addition, this alteration is predicted to be tolerated by in silico analysis. Since supporting evidence is limited at this time, the clinical significance of this alteration remains unclear.